The following is an entry in ClinVar:

ClinVar aggregate classification (germline): Likely benign (1 of 4 stars; one submission).

Allele frequency attached by ClinVar (database versions not stated): gnomAD exomes 0.00001 and 0.00003; TOPMed 0.00001; ExAC 0.00003.
gnomAD v4.1: 8 of 1,604,896 alleles (0.0005%); highest among the groups gnomAD compares: Admixed American, 0.013%; no homozygotes.

Submission:

GeneDx
Classification: Likely benign. Last evaluated: 2016-02-17. Review status: criteria provided, single submitter. Criteria: GeneDx Variant Classification (06012015). Collection method: clinical testing. Allele origin: germline. Affected: yes.
Comment: This variant is considered likely benign or benign based on one or more of the following criteria: it is a conservative change, it occurs at a poorly conserved position in the protein, it is predicted to be benign by multiple in silico algorithms, and/or has population frequency not consistent with disease.

NM_002693.3(POLG):c.*12G>A

Genes: FANCI (FA complementation group I; plus strand), POLG (DNA polymerase gamma, catalytic subunit; minus strand). Cytogenetic location: 15q26.1.
Variant type: single nucleotide variant.
Coding change: c.*12G>A on transcript NM_002693.3 (MANE Select); 12 bases downstream of the stop codon, G replaced by A.
Molecular consequence: 3 prime UTR variant.
Genome position (GRCh38, 1-based): chr15:89,316,739, C>T on the plus strand (G>A on the coding strand, the complement: POLG is on the minus strand). VCF-style: chr15-89316739-C-T. GRCh37 (hg19) VCF-style: chr15-89859970-C-T.
Other names: c.*12G>A (NM_001126131.2); c.*280C>T (NM_001113378.2, NM_001376910.1, NM_001376911.1 and 1 more transcripts).
Identifiers: ClinVar variation 206491 (VCV000206491.1), dbSNP rs773062595, ClinGen allele CA316633.